The following is an entry in ClinVar:

ClinVar aggregate classification (germline): Uncertain significance (1 of 4 stars; one submission).

Conditions:
Dilated cardiomyopathy 1HH (CMD1HH). Identifiers: Orphanet 154, MedGen C3151293, MONDO:0013479, OMIM 613881.
Myofibrillar myopathy 6. Identifiers: Orphanet 199340, MedGen C2751831, MONDO:0013061, OMIM 612954.

Submission:

Labcorp Genetics (formerly Invitae), Labcorp
Classification: Uncertain significance for Dilated cardiomyopathy 1HH; Myofibrillar myopathy 6. Last evaluated: 2025-06-08. Review status: criteria provided, single submitter. Criteria: Invitae Variant Classification Sherloc (09022015). Collection method: clinical testing. Allele origin: germline.
Comment: This sequence change creates a premature translational stop signal (p.Gln478*) in the BAG3 gene. While this is not anticipated to result in nonsense mediated decay, it is expected to disrupt the last 98 amino acid(s) of the BAG3 protein. This variant is not present in population databases (gnomAD no frequency). This variant has not been reported in the literature in individuals affected with BAG3-related conditions. ClinVar contains an entry for this variant (Variation ID: 3759225). This variant disrupts a region of the BAG3 protein in which other variant(s) (p.Ala542Val) have been observed in individuals with BAG3-related conditions (internal data). This suggests that this is a clinically significant region of the protein, and that variants that disrupt it are likely to be disease-causing. In summary, the available evidence is currently insufficient to determine the role of this variant in disease. Therefore, it has been classified as a Variant of Uncertain Significance.

NM_004281.4(BAG3):c.1432C>T (p.Gln478Ter)

Gene: BAG3 (BAG cochaperone 3; plus strand). Cytogenetic location: 10q26.11.
Variant type: single nucleotide variant.
Coding change: c.1432C>T on transcript NM_004281.4 (MANE Select); coding-DNA position 1432, C replaced by T.
Protein change: p.Gln478Ter; replaces glutamine 478 with a stop codon.
Molecular consequence: nonsense.
Genome position (GRCh38, 1-based): chr10:119,676,986, C>T. VCF-style: chr10-119676986-C-T. GRCh37 (hg19) VCF-style: chr10-121436498-C-T.
Other names: short protein forms Q478*.
Identifiers: ClinVar variation 3759225 (VCV003759225.2).
Genomic context (GRCh38, chr10:119,676,986, plus strand): 5'-TTGACCAAAGAGCTGCTGGCCCTGGATTCAGTGGACCCCGAGGGACGAGCCGATGTGCGT[C>T]AGGCCAGGAGAGACGGTGTCAGGAAGGTTCAGACCATCTTGGAAAAACTTGAACAGAAAG-3'